The following is an entry in ClinVar:

NM_001807.6(CEL):c.2172T>C (p.Pro724=)

Gene: CEL (carboxyl ester lipase; plus strand). Cytogenetic location: 9q34.13.
Variant type: single nucleotide variant.
Coding change: c.2172T>C on transcript NM_001807.6 (MANE Select); coding-DNA position 2172, T replaced by C.
Protein change: p.Pro724=; no amino-acid change (proline 724 retained).
Molecular consequence: synonymous variant.
Genome position (GRCh38, 1-based): chr9:133,071,674, T>C. VCF-style: chr9-133071674-T-C. GRCh37 (hg19) VCF-style: chr9-135947061-T-C.
Identifiers: ClinVar variation 2659686 (VCV002659686.25), dbSNP rs200971679, ClinGen allele CA5303679.

ClinVar aggregate classification (germline): Likely benign. Review status: criteria provided, multiple submitters, no conflicts (2 of 4 stars). 2 submissions from 2 submitters: Likely benign (2). Last evaluated 2025-06-01.

Allele frequency attached by ClinVar (database versions not stated): ExAC 0.00015; gnomAD exomes 0.00024; ESP Exome Variant Server 0.00183; 1000 Genomes Project 0.01318.

Submissions (2):

CeGaT Center for Human Genetics Tuebingen
Classification: Likely benign. Last evaluated: 2025-06-01. Review status: criteria provided, single submitter. Criteria: CeGaT Center For Human Genetics Tuebingen Variant Classification Criteria Version 2. Collection method: clinical testing. Allele origin: germline. Affected: yes. Observed: 4 variant alleles.
Comment: CEL: BP4, BP7

Blueprint Genetics
Classification: Likely benign. Last evaluated: 2024-09-17. Review status: criteria provided, single submitter. Criteria: ACMG Guidelines, 2015. Collection method: clinical testing. Allele origin: germline.